The following is an entry in ClinVar:

NM_006030.4(CACNA2D2):c.2251G>A (p.Val751Met)

Genes: CACNA2D2 (calcium voltage-gated channel auxiliary subunit alpha2delta 2; minus strand), LOC127898564 (CYB561D2-LOC101928965; plus strand), LOC101928965 (uncharacterized LOC101928965; plus strand). Cytogenetic location: 3p21.31.
Variant type: single nucleotide variant.
Coding change: c.2251G>A on transcript NM_006030.4 (MANE Select); coding-DNA position 2251, G replaced by A.
Protein change: p.Val751Met; replaces valine 751 with methionine.
Molecular consequence: missense variant.
Genome position (GRCh38, 1-based): chr3:50,367,688, C>T on the plus strand (G>A on the coding strand, the complement: CACNA2D2 is on the minus strand). VCF-style: chr3-50367688-C-T. GRCh37 (hg19) VCF-style: chr3-50405119-C-T.
Other names: c.2251G>A, p.Val751Met (NM_001005505.3, NM_001410768.1); c.2272G>A, p.Val758Met (NM_001174051.3); c.2044G>A, p.Val682Met (NM_001291101.1); short protein forms V758M, V682M, V751M.
Identifiers: ClinVar variation 2122464 (VCV002122464.1), dbSNP rs937643721, ClinGen allele CA74608073.
Genomic context (GRCh38, chr3:50,367,688, plus strand): 5'-GATAGGTCACTTACTTGTTGGGGAAGACTCGGGTGATGCCACCGTCTGTGGCAGCGAACA[C>T]GGCCAGTAGGCTGTACCTGGGGGTAGCAGGGGGGTGGGGTCACAGGCCTGCCTTCTGCTG-3'
Protein context (NP_006021.2, residues 741-761): QDLNTYSLLA[Val751Met]FAATDGGITR

ClinVar aggregate classification (germline): Uncertain significance (1 of 4 stars; one submission).

Conditions:
Developmental and epileptic encephalopathy. Identifiers: MedGen C5779964, MONDO:0100620.

Allele frequency attached by ClinVar (database versions not stated): gnomAD exomes 0.00001.
gnomAD v4.1: 17 of 1,612,150 alleles (0.0011%); highest among the groups gnomAD compares: Admixed American, 0.0067%; no homozygotes.

Submission:

Labcorp Genetics (formerly Invitae), Labcorp
Classification: Uncertain significance for Early-infantile DEE. Last evaluated: 2022-09-12. Review status: criteria provided, single submitter. Criteria: Invitae Variant Classification Sherloc (09022015). Collection method: clinical testing. Allele origin: germline.
Comment: This sequence change replaces valine, which is neutral and non-polar, with methionine, which is neutral and non-polar, at codon 751 of the CACNA2D2 protein (p.Val751Met). The frequency data for this variant in the population databases is considered unreliable, as metrics indicate poor data quality at this position in the gnomAD database. This variant has not been reported in the literature in individuals affected with CACNA2D2-related conditions. Algorithms developed to predict the effect of missense changes on protein structure and function are either unavailable or do not agree on the potential impact of this missense change (SIFT: "Deleterious"; PolyPhen-2: "Probably Damaging"; Align-GVGD: "Class C0"). In summary, the available evidence is currently insufficient to determine the role of this variant in disease. Therefore, it has been classified as a Variant of Uncertain Significance.